The following is an entry in ClinVar:

ClinVar aggregate classification (germline): Uncertain significance (1 of 4 stars; one submission).

Conditions:
Cystinuria (CSNU). Also called: Cystinuria, non-type I; CYSTINURIA, TYPE I; CYSTINURIA, TYPE II; CYSTINURIA, TYPE III. Identifiers: Orphanet 214, MedGen C0010691, MONDO:0009067, OMIM 220100, HP:0003131.

Allele frequency attached by ClinVar (database versions not stated): ExAC 0.00001; gnomAD exomes 0.00001.
gnomAD v4.1: 13 of 1,612,758 alleles (0.00081%); highest among the groups gnomAD compares: Admixed American, 0.0067%; no homozygotes.

Submission:

Labcorp Genetics (formerly Invitae), Labcorp
Classification: Uncertain significance for Cystinuria. Last evaluated: 2025-10-02. Review status: criteria provided, single submitter. Criteria: Invitae Variant Classification Sherloc (09022015). Collection method: clinical testing. Allele origin: germline.
Comment: This sequence change replaces aspartic acid, which is acidic and polar, with asparagine, which is neutral and polar, at codon 210 of the SLC3A1 protein (p.Asp210Asn). This variant is present in population databases (rs775231844, gnomAD 0.009%). This variant has not been reported in the literature in individuals affected with SLC3A1-related conditions. ClinVar contains an entry for this variant (Variation ID: 2066430). Invitae Evidence Modeling of protein sequence and biophysical properties (such as structural, functional, and spatial information, amino acid conservation, physicochemical variation, residue mobility, and thermodynamic stability) has been performed for this missense variant. However, the output from this modeling did not meet the statistical confidence thresholds required to predict the impact of this variant on SLC3A1 protein function. Algorithms developed to predict the effect of sequence changes on RNA splicing suggest that this variant may disrupt the consensus splice site. In summary, the available evidence is currently insufficient to determine the role of this variant in disease. Therefore, it has been classified as a Variant of Uncertain Significance.

NM_000341.4(SLC3A1):c.628G>A (p.Asp210Asn)

Gene: SLC3A1 (solute carrier family 3 member 1; plus strand). Cytogenetic location: 2p21.
Variant type: single nucleotide variant.
Coding change: c.628G>A on transcript NM_000341.4 (MANE Select); coding-DNA position 628, G replaced by A.
Protein change: p.Asp210Asn; replaces aspartic acid 210 with asparagine.
Molecular consequence: missense variant.
Genome position (GRCh38, 1-based): chr2:44,281,404, G>A. VCF-style: chr2-44281404-G-A. GRCh37 (hg19) VCF-style: chr2-44508543-G-A.
Other names: short protein forms D210N.
Identifiers: ClinVar variation 2066430 (VCV002066430.4), dbSNP rs775231844, ClinGen allele CA1640198.